The following is an entry in ClinVar:

ClinVar aggregate classification (germline): Pathogenic (1 of 4 stars; one submission).

Submission:

Labcorp Genetics (formerly Invitae), Labcorp
Classification: Pathogenic. Last evaluated: 2022-01-03. Review status: criteria provided, single submitter. Criteria: Invitae Variant Classification Sherloc (09022015). Collection method: clinical testing. Allele origin: germline.
Comment: For these reasons, this variant has been classified as Pathogenic. This variant has not been reported in the literature in individuals affected with ADAMTS10-related conditions. This variant is not present in population databases (gnomAD no frequency). This sequence change creates a premature translational stop signal (p.Ile321Argfs*5) in the ADAMTS10 gene. It is expected to result in an absent or disrupted protein product. Loss-of-function variants in ADAMTS10 are known to be pathogenic (PMID: 15368195, 18567016).

Literature cited by the submitters: PubMed 15368195; PubMed 18567016.

NM_030957.4(ADAMTS10):c.954_961dup (p.Ile321fs)

Gene: ADAMTS10 (ADAM metallopeptidase with thrombospondin type 1 motif 10; minus strand). Cytogenetic location: 19p13.2.
Variant type: Duplication.
Coding change: c.954_961dup on transcript NM_030957.4 (MANE Select); coding-DNA positions 954 to 961, 8 bases duplicated (GAAATCCA; older notation c.954_961dupGAAATCCA).
Protein change: p.Ile321fs; shifts the reading frame from isoleucine 321.
Molecular consequence: frameshift variant.
Genome position (GRCh38, 1-based): chr19:8,597,066-8,597,073, TGGATTTC duplicated on the plus strand (GAAATCCA on the coding strand, the reverse complement: ADAMTS10 is on the minus strand); duplicating any 8 consecutive bases within chr19:8,597,066-8,597,075 gives the same sequence; the c. name uses the placement nearest the transcript's 3' end. VCF-style (leftmost placement, unchanged base first): chr19-8597065-A-ATGGATTTC. GRCh37 (hg19) VCF-style: chr19-8661949-A-ATGGATTTC.
Other names: short protein forms I321fs.
Identifiers: ClinVar variation 1430522 (VCV001430522.6), dbSNP rs2146082887, ClinGen allele CA2573155959.